The following is an entry in ClinVar:

NM_000202.8(IDS):c.679A>C (p.Lys227Gln)

Genes: IDS (iduronate 2-sulfatase; minus strand), LOC106050102 (IDS recombination region; plus strand). Cytogenetic location: Xq28.
Variant type: single nucleotide variant.
Coding change: c.679A>C on transcript NM_000202.8 (MANE Select); coding-DNA position 679, A replaced by C.
Protein change: p.Lys227Gln; replaces lysine 227 with glutamine.
Molecular consequence: missense variant. On other transcripts: non-coding transcript variant (1).
Genome position (GRCh38, 1-based): chrX:149,498,136, T>G on the plus strand (A>C on the coding strand, the complement: IDS is on the minus strand). VCF-style: chrX-149498136-T-G. GRCh37 (hg19) VCF-style: chrX-148579667-T-G.
Other names: c.409A>C, p.Lys137Gln (NM_001166550.4); c.679A>C, p.Lys227Gln (NM_006123.5); short protein forms K137Q, K227Q.
Identifiers: ClinVar variation 3255797 (VCV003255797.2).
Genomic context (GRCh38, chrX:149,498,136, plus strand): 5'-GTGCTGGATCAGCCCTCAACCAGCTCTTCACCTTGGGGTATCTGAAGGGGATGTGTGGCT[T>G]ATGATACCCAACGGCCAGGAAGAAAGGACTGGCTGACGTTTTCATCTTTTCCAACAACTG-3'
Protein context (NP_000193.1, residues 217-237): SPFFLAVGYH[Lys227Gln]PHIPFRYPKE

ClinVar aggregate classification (germline): Likely pathogenic (1 of 4 stars; one submission).

Conditions:
Mucopolysaccharidosis, MPS-II (MPS2). Also called: Hunter Syndrome; IDURONATE 2-SULFATASE DEFICIENCY; Mucopolysaccharidosis Type II; Mucopolysaccharidosis type 2; Attenuated MPS (subtype; formerly known as mild MPS II); Severe MPS II. Identifiers: Orphanet 580, Orphanet 79388, MedGen C0026705, MONDO:0010674, OMIM 309900.

Submission:

Laboratory of Diagnosis and Therapy of Lysosomal Disorders, University of Padova
Classification: Likely pathogenic for Mucopolysaccharidosis, MPS-II. Last evaluated: 2024-06-07. Review status: criteria provided, single submitter. Criteria: ACMG Guidelines, 2015. Collection method: literature only. Allele origin: germline. Affected: yes. Observed: 2 variant alleles.
Comment: Absent from controls (or at low frequency) in gnomAD database (PM2_Moderate), Missense variant in a gene with a low rate of benign missense variation (PP2_Supporting), Multiple lines of computational evidence support a deleterious effect (PP3_Supporting), Patient’s phenotype or family history highly specific for the disease (PP4_Strong)

Classification method: ACMG Guidelines [PMID:25741868] with modifications

Literature cited by the submitters: PubMed 8111411; PubMed 7887413.